The following is an entry in ClinVar:

ClinVar aggregate classification (germline): Conflicting classifications of pathogenicity. Review status: criteria provided, conflicting classifications (1 of 4 stars). 3 submissions from 3 submitters: Uncertain significance (1); Likely benign (2). Last evaluated 2025-04-13.

Conditions:
Hereditary cancer-predisposing syndrome. Also called: Hereditary Cancer Syndrome; Neoplastic Syndromes, Hereditary; Tumor predisposition; Hereditary neoplastic syndrome. Identifiers: Orphanet 140162, MedGen C0027672, MeSH D009386, MONDO:0015356.
Gorlin syndrome. Also called: Basal cell nevus syndrome; Nevoid Basal Cell Carcinoma Syndrome. Identifiers: Orphanet 377, MedGen C0004779, MONDO:0007187.

Allele frequency attached by ClinVar (database versions not stated): TOPMed 0.00001.
gnomAD v4.1: 34 of 1,612,928 alleles (0.0021%); highest among the groups gnomAD compares: Non-Finnish European, 0.0027%; no homozygotes.

Submissions (3):

Labcorp Genetics (formerly Invitae), Labcorp
Classification: Likely benign for Gorlin syndrome. Last evaluated: 2025-04-13. Review status: criteria provided, single submitter. Criteria: Invitae Variant Classification Sherloc (09022015). Collection method: clinical testing. Allele origin: germline.

GeneDx
Classification: Uncertain significance. Last evaluated: 2024-04-22. Review status: criteria provided, single submitter. Criteria: GeneDx Variant Classification Process June 2021. Collection method: clinical testing. Allele origin: germline. Affected: yes.
Comment: Not observed at significant frequency in large population cohorts (gnomAD); In silico analysis indicates that this missense variant does not alter protein structure/function; Has not been previously published as pathogenic or benign to our knowledge

Ambry Genetics
Classification: Likely benign for Hereditary cancer-predisposing syndrome. Last evaluated: 2023-05-18. Review status: criteria provided, single submitter. Criteria: Ambry Variant Classification Scheme 2023. Collection method: clinical testing. Allele origin: germline.

NM_000264.5(PTCH1):c.3992C>T (p.Ser1331Phe)

Gene: PTCH1 (patched 1; minus strand). Cytogenetic location: 9q22.32.
Variant type: single nucleotide variant.
Coding change: c.3992C>T on transcript NM_000264.5 (MANE Select); coding-DNA position 3992, C replaced by T.
Protein change: p.Ser1331Phe; replaces serine 1331 with phenylalanine.
Molecular consequence: missense variant. On other transcripts: non-coding transcript variant (1).
Genome position (GRCh38, 1-based): chr9:95,447,264, G>A on the plus strand (C>T on the coding strand, the complement: PTCH1 is on the minus strand). VCF-style: chr9-95447264-G-A. GRCh37 (hg19) VCF-style: chr9-98209546-G-A.
Other names: c.3794C>T, p.Ser1265Phe (NM_001083602.3); c.3989C>T, p.Ser1330Phe (NM_001083603.3); c.3539C>T, p.Ser1180Phe (NM_001083604.3, NM_001083605.3, NM_001083606.3 and 1 more transcripts); c.3836C>T, p.Ser1279Phe (NM_001354918.2); short protein forms S1265F, S1331F, S1279F, S1180F, S1330F.
Identifiers: ClinVar variation 188209 (VCV000188209.19), dbSNP rs150373546, ClinGen allele CA334332.